The following is an entry in ClinVar:

NM_012471.3(TRPC5):c.2064C>T (p.Asp688=)

Gene: TRPC5 (transient receptor potential cation channel subfamily C member 5; minus strand). Cytogenetic location: Xq23.
Variant type: single nucleotide variant.
Coding change: c.2064C>T on transcript NM_012471.3 (MANE Select); coding-DNA position 2064, C replaced by T.
Protein change: p.Asp688=; no amino-acid change (aspartic acid 688 retained).
Molecular consequence: synonymous variant.
Genome position (GRCh38, 1-based): chrX:111,781,971, G>A on the plus strand (C>T on the coding strand, the complement: TRPC5 is on the minus strand). VCF-style: chrX-111781971-G-A. GRCh37 (hg19) VCF-style: chrX-111025199-G-A.
Identifiers: ClinVar variation 3345188 (VCV003345188.1).

ClinVar aggregate classification (germline): Likely benign (0 of 4 stars; one submission).

Conditions:
TRPC5-related disorder. Also called: TRPC5-related condition.

gnomAD v4.1: 92 of 1,203,885 alleles (0.0076%); highest among the groups gnomAD compares: African/African-American, 0.047%; 1 homozygote.

Submission:

PreventionGenetics, part of Exact Sciences
Classification: Likely benign for TRPC5-related condition. Last evaluated: 2024-09-20. Review status: no assertion criteria provided. Collection method: clinical testing. Allele origin: germline.
Comment: This variant is classified as likely benign based on ACMG/AMP sequence variant interpretation guidelines (Richards et al. 2015 PMID: 25741868, with internal and published modifications).